The following is an entry in ClinVar:

ClinVar aggregate classification (germline): Likely benign (1 of 4 stars; one submission).

gnomAD v4.1: 9 of 1,613,750 alleles (0.00056%); highest among the groups gnomAD compares: Admixed American, 0.0067%; no homozygotes.

Submission:

CeGaT Center for Human Genetics Tuebingen
Classification: Likely benign. Last evaluated: 2022-03-01. Review status: criteria provided, single submitter. Criteria: CeGaT Center For Human Genetics Tuebingen Variant Classification Criteria Version 2. Collection method: clinical testing. Allele origin: germline. Affected: yes. Observed: 1 variant allele.
Comment: FBN3: BP4, BP7

NM_032447.5(FBN3):c.7731C>G (p.Pro2577=)

Gene: FBN3 (fibrillin 3; minus strand). Cytogenetic location: 19p13.2.
Variant type: single nucleotide variant.
Coding change: c.7731C>G on transcript NM_032447.5 (MANE Select); coding-DNA position 7731, C replaced by G.
Protein change: p.Pro2577=; no amino-acid change (proline 2577 retained).
Molecular consequence: synonymous variant.
Genome position (GRCh38, 1-based): chr19:8,073,269, G>C on the plus strand (C>G on the coding strand, the complement: FBN3 is on the minus strand). VCF-style: chr19-8073269-G-C. GRCh37 (hg19) VCF-style: chr19-8138153-G-C.
Other names: c.7731C>G, p.Pro2577= (NM_001321431.2).
Identifiers: ClinVar variation 2649186 (VCV002649186.24), dbSNP rs756551000, ClinGen allele CA304938247.